The following is an entry in ClinVar:

NM_001129.5(AEBP1):c.1133C>T (p.Thr378Met)

Gene: AEBP1 (AE binding protein 1; plus strand). Cytogenetic location: 7p13.
Variant type: single nucleotide variant.
Coding change: c.1133C>T on transcript NM_001129.5 (MANE Select); coding-DNA position 1133, C replaced by T.
Protein change: p.Thr378Met; replaces threonine 378 with methionine.
Molecular consequence: missense variant.
Genome position (GRCh38, 1-based): chr7:44,109,324, C>T. VCF-style: chr7-44109324-C-T. GRCh37 (hg19) VCF-style: chr7-44148923-C-T.
Other names: short protein forms T378M.
Identifiers: ClinVar variation 3717515 (VCV003717515.1).
Genomic context (GRCh38, chr7:44,109,324, plus strand): 5'-ATGTCCTCCCTTCATTGTCCCTAGAGCCCCGAAAGGGCGAGGAGTTGGAGGAGGAGTGGA[C>T]GCCTACGGAGAAAGTCAGTAAGTGGGGGGCACAAGGGGGTGAGGGTGGGGGCCACAGGAT-3'
Protein context (NP_001120.3, residues 368-388): RKGEELEEEW[Thr378Met]PTEKVKCPPI

ClinVar aggregate classification (germline): Uncertain significance (1 of 4 stars; one submission).

gnomAD v4.1: 59 of 1,596,132 alleles (0.0037%); highest among the groups gnomAD compares: South Asian, 0.009%; no homozygotes.

Submission:

Labcorp Genetics (formerly Invitae), Labcorp
Classification: Uncertain significance. Last evaluated: 2024-08-08. Review status: criteria provided, single submitter. Criteria: Invitae Variant Classification Sherloc (09022015). Collection method: clinical testing. Allele origin: germline.
Comment: This sequence change replaces threonine, which is neutral and polar, with methionine, which is neutral and non-polar, at codon 378 of the AEBP1 protein (p.Thr378Met). This variant is present in population databases (rs780233667, gnomAD 0.01%). This variant has not been reported in the literature in individuals affected with AEBP1-related conditions. An algorithm developed to predict the effect of missense changes on protein structure and function outputs the following: PolyPhen-2: "Benign". The methionine amino acid residue is found in multiple mammalian species, which suggests that this missense change does not adversely affect protein function. In summary, the available evidence is currently insufficient to determine the role of this variant in disease. Therefore, it has been classified as a Variant of Uncertain Significance.